The following is an entry in ClinVar:

ClinVar aggregate classification (germline): Uncertain significance (1 of 4 stars; one submission).

Allele frequency attached by ClinVar (database versions not stated): TOPMed 0.00005; ExAC 0.00012; gnomAD exomes 0.00012; gnomAD 0.00004 and 0.00005.
gnomAD v4.1: 43 of 1,613,916 alleles (0.0027%); highest among the groups gnomAD compares: East Asian, 0.085%; no homozygotes.

Submission:

Labcorp Genetics (formerly Invitae), Labcorp
Classification: Uncertain significance. Last evaluated: 2022-05-15. Review status: criteria provided, single submitter. Criteria: Invitae Variant Classification Sherloc (09022015). Collection method: clinical testing. Allele origin: germline.
Comment: This sequence change replaces aspartic acid, which is acidic and polar, with asparagine, which is neutral and polar, at codon 515 of the WHRN protein (p.Asp515Asn). This variant is present in population databases (rs778064776, gnomAD 0.2%). This variant has not been reported in the literature in individuals affected with WHRN-related conditions. ClinVar contains an entry for this variant (Variation ID: 964115). Algorithms developed to predict the effect of missense changes on protein structure and function are either unavailable or do not agree on the potential impact of this missense change (SIFT: "Deleterious"; PolyPhen-2: "Probably Damaging"; Align-GVGD: "Class C15"). In summary, the available evidence is currently insufficient to determine the role of this variant in disease. Therefore, it has been classified as a Variant of Uncertain Significance.

NM_015404.4(WHRN):c.1543G>A (p.Asp515Asn)

Gene: WHRN (whirlin; minus strand). Cytogenetic location: 9q32.
Variant type: single nucleotide variant.
Coding change: c.1543G>A on transcript NM_015404.4 (MANE Select); coding-DNA position 1543, G replaced by A.
Protein change: p.Asp515Asn; replaces aspartic acid 515 with asparagine.
Molecular consequence: missense variant.
Genome position (GRCh38, 1-based): chr9:114,423,397, C>T on the plus strand (G>A on the coding strand, the complement: WHRN is on the minus strand). VCF-style: chr9-114423397-C-T. GRCh37 (hg19) VCF-style: chr9-117185677-C-T.
Other names: c.394G>A, p.Asp132Asn (NM_001083885.3); c.1543G>A, p.Asp515Asn (NM_001173425.2); c.490G>A, p.Asp164Asn (NM_001346890.1); short protein forms D132N, D164N, D515N.
Identifiers: ClinVar variation 964115 (VCV000964115.7), dbSNP rs778064776, ClinGen allele CA5205914.